The following is an entry in ClinVar:

NM_033118.4(MYLK2):c.940A>C (p.Lys314Gln)

Gene: MYLK2 (myosin light chain kinase 2; plus strand). Cytogenetic location: 20q11.21.
Variant type: single nucleotide variant.
Coding change: c.940A>C on transcript NM_033118.4 (MANE Select); coding-DNA position 940, A replaced by C.
Protein change: p.Lys314Gln; replaces lysine 314 with glutamine.
Molecular consequence: missense variant.
Genome position (GRCh38, 1-based): chr20:31,824,320, A>C. VCF-style: chr20-31824320-A-C. GRCh37 (hg19) VCF-style: chr20-30412123-A-C.
Other names: short protein forms K314Q.
Identifiers: ClinVar variation 3915793 (VCV003915793.2).

ClinVar aggregate classification (germline): Uncertain significance. Review status: criteria provided, multiple submitters, no conflicts (2 of 4 stars). 2 submissions from 2 submitters: Uncertain significance (2). Last evaluated 2025-10-19.

Conditions:
Hypertrophic cardiomyopathy 1 (CMH1). Also called: MYH7-Related Familial Hypertrophic Cardiomyopathy; Familial hypertrophic cardiomyopathy 1. Identifiers: MedGen C3495498, MONDO:0008647, OMIM 192600.

Submissions (2):

Labcorp Genetics (formerly Invitae), Labcorp
Classification: Uncertain significance for Hypertrophic cardiomyopathy 1. Last evaluated: 2025-10-19. Review status: criteria provided, single submitter. Criteria: Invitae Variant Classification Sherloc (09022015). Collection method: clinical testing. Allele origin: germline.
Comment: This sequence change replaces lysine, which is basic and polar, with glutamine, which is neutral and polar, at codon 314 of the MYLK2 protein (p.Lys314Gln). This variant is not present in population databases (gnomAD no frequency). This variant has not been reported in the literature in individuals affected with MYLK2-related conditions. ClinVar contains an entry for this variant (Variation ID: 3915793). Invitae Evidence Modeling of protein sequence and biophysical properties (such as structural, functional, and spatial information, amino acid conservation, physicochemical variation, residue mobility, and thermodynamic stability) indicates that this missense variant is expected to disrupt MYLK2 protein function with a positive predictive value of 80%. In summary, the available evidence is currently insufficient to determine the role of this variant in disease. Therefore, it has been classified as a Variant of Uncertain Significance.

Ambry Genetics
Classification: Uncertain significance. Last evaluated: 2025-05-06. Review status: criteria provided, single submitter. Criteria: Ambry Variant Classification Scheme 2023. Collection method: clinical testing. Allele origin: germline.
Comment: The p.K314Q variant (also known as c.940A>C), located in coding exon 5 of the MYLK2 gene, results from an A to C substitution at nucleotide position 940. The lysine at codon 314 is replaced by glutamine, an amino acid with similar properties. This amino acid position is conserved. In addition, this alteration is predicted to be deleterious by in silico analysis. Based on the available evidence, the clinical significance of this variant remains unclear.